The following is an entry in ClinVar:

ClinVar aggregate classification (germline): Likely pathogenic. Review status: criteria provided, multiple submitters, no conflicts (2 of 4 stars). 2 submissions from 2 submitters: Likely pathogenic (2). Last evaluated 2024-01-10.

Conditions:
DNMT3A-related disorder. Also called: DNMT3A-related disorders; DNMT3A-related condition.
Tatton-Brown-Rahman overgrowth syndrome. Also called: Tatton-Brown-Rahman syndrome; Tall stature-intellectual disability-facial dysmorphism syndrome. Identifiers: Orphanet 404443, MedGen C4014545, MONDO:0014382, OMIM 615879.

Submissions (2):

Labcorp Genetics (formerly Invitae), Labcorp
Classification: Likely pathogenic for Tatton-Brown-Rahman overgrowth syndrome. Last evaluated: 2024-01-10. Review status: criteria provided, single submitter. Criteria: Invitae Variant Classification Sherloc (09022015). Collection method: clinical testing. Allele origin: germline.
Comment: This sequence change affects a donor splice site in intron 14 of the DNMT3A gene. It is expected to disrupt RNA splicing. Variants that disrupt the donor or acceptor splice site typically lead to a loss of protein function (PMID: 16199547), and loss-of-function variants in DNMT3A are known to be pathogenic (PMID: 24614070). The frequency data for this variant in the population databases is considered unreliable, as metrics indicate poor data quality at this position in the gnomAD database. This variant has not been reported in the literature in individuals affected with DNMT3A-related conditions. Algorithms developed to predict the effect of sequence changes on RNA splicing suggest that this variant may disrupt the consensus splice site. In summary, the currently available evidence indicates that the variant is pathogenic, but additional data are needed to prove that conclusively. Therefore, this variant has been classified as Likely Pathogenic.

Blueprint Genetics
Classification: Likely pathogenic for DNMT3A-related disorders. Last evaluated: 2021-07-06. Review status: criteria provided, single submitter. Criteria: ACMG Guidelines, 2015. Collection method: clinical testing. Allele origin: germline. Affected: yes. Observed: 1 variant allele.

Literature cited by the submitters: PubMed 16199547 (cited by Labcorp Genetics (formerly Invitae), Labcorp); PubMed 24614070 (cited by Labcorp Genetics (formerly Invitae), Labcorp).

NM_022552.5(DNMT3A):c.1667+1G>A

Gene: DNMT3A (DNA methyltransferase 3 alpha; minus strand). Cytogenetic location: 2p23.3.
Variant type: single nucleotide variant.
Coding change: c.1667+1G>A on transcript NM_022552.5 (MANE Select); the canonical splice donor site of the intron after coding-DNA position 1667, G replaced by A.
Molecular consequence: splice donor variant.
Genome position (GRCh38, 1-based): chr2:25,244,539, C>T on the plus strand (G>A on the coding strand, the complement: DNMT3A is on the minus strand). VCF-style: chr2-25244539-C-T. GRCh37 (hg19) VCF-style: chr2-25467408-C-T.
Other names: c.1667+1G>A (NM_175629.2); c.1100+1G>A (NM_153759.3); c.1211+1G>A (NM_001320893.1); c.998+1G>A (NM_001375819.1).
Identifiers: ClinVar variation 2727286 (VCV002727286.4), dbSNP rs776844136, ClinGen allele CA1555916.